The following is an entry in ClinVar:

ClinVar aggregate classification (germline): Conflicting classifications of pathogenicity. Review status: criteria provided, conflicting classifications (1 of 4 stars). 2 submissions from 2 submitters: Uncertain significance (1); Benign (1). Last evaluated 2025-11-09.

Conditions:
RAI1-related disorder. Also called: RAI1-related condition.

gnomAD v4.1: 6 of 1,613,832 alleles (0.00037%); highest among the groups gnomAD compares: African/African-American, 0.0013%; no homozygotes.

Submissions (2):

Labcorp Genetics (formerly Invitae), Labcorp
Classification: Benign. Last evaluated: 2025-11-09. Review status: criteria provided, single submitter. Criteria: Invitae Variant Classification Sherloc (09022015). Collection method: clinical testing. Allele origin: germline.

PreventionGenetics, part of Exact Sciences
Classification: Uncertain significance for RAI1-related condition. Last evaluated: 2025-09-03. Review status: criteria provided, single submitter. Criteria: ACMG Guidelines, 2015. Collection method: clinical testing. Allele origin: germline.
Comment: The RAI1 c.4033G>A variant is predicted to result in the amino acid substitution p.Ala1345Thr. To our knowledge, this variant has not been reported in the literature or in a large population database (gnomAD), indicating this variant is rare. At this time, the clinical significance of this variant is uncertain due to the absence of conclusive functional and genetic evidence.

NM_030665.4(RAI1):c.4033G>A (p.Ala1345Thr)

Gene: RAI1 (retinoic acid induced 1; plus strand). Cytogenetic location: 17p11.2.
Variant type: single nucleotide variant.
Coding change: c.4033G>A on transcript NM_030665.4 (MANE Select); coding-DNA position 4033, G replaced by A.
Protein change: p.Ala1345Thr; replaces alanine 1345 with threonine.
Molecular consequence: missense variant.
Genome position (GRCh38, 1-based): chr17:17,796,981, G>A. VCF-style: chr17-17796981-G-A. GRCh37 (hg19) VCF-style: chr17-17700295-G-A.
Other names: c.4033G>A (NM_030665.3); short protein forms A1345T.
Identifiers: ClinVar variation 1959607 (VCV001959607.6), dbSNP rs374370209, ClinGen allele CA398555583.